The following is an entry in ClinVar:

ClinVar aggregate classification (germline): Uncertain significance. Review status: criteria provided, single submitter (1 of 4 stars). 2 submissions from 2 submitters: Uncertain significance (1). 1 of the submissions does not count toward it. Last evaluated 2018-05-08.

Conditions:
PKHD1-related disorder. Also called: PKHD1-related condition.

Allele frequency attached by ClinVar (database versions not stated): gnomAD exomes below 0.00001 and 0.00001; gnomAD 0.00001; ExAC 0.00002; 1000 Genomes Project 30x 0.00016; 1000 Genomes Project 0.00020.
gnomAD v4.1: 3 of 1,605,884 alleles (0.00019%); highest among the groups gnomAD compares: African/African-American, 0.004%; no homozygotes.

Submissions (2):

Eurofins Ntd Llc (ga)
Classification: Uncertain significance. Last evaluated: 2018-05-08. Review status: criteria provided, single submitter. Criteria: EGL ClinVar v180209 classification definitions. Collection method: clinical testing. Allele origin: germline. Observed: 1 variant allele, 1 heterozygote.

PreventionGenetics, part of Exact Sciences
Classification: Uncertain significance for PKHD1-related condition. Last evaluated: 2024-03-28. Review status: no assertion criteria provided. Collection method: clinical testing. Allele origin: germline. Not counted in ClinVar's aggregate classification.
Comment: The PKHD1 c.826A>T variant is predicted to result in the amino acid substitution p.Asn276Tyr. To our knowledge, this variant has not been reported in the literature. This variant is reported in 0.018% of alleles in individuals of African descent in gnomAD. At this time, the clinical significance of this variant is uncertain due to the absence of conclusive functional and genetic evidence.

NM_138694.4(PKHD1):c.826A>T (p.Asn276Tyr)

Gene: PKHD1 (PKHD1 ciliary IPT domain containing fibrocystin/polyductin; minus strand). Cytogenetic location: 6p12.2.
Variant type: single nucleotide variant.
Coding change: c.826A>T on transcript NM_138694.4 (MANE Select); coding-DNA position 826, A replaced by T.
Protein change: p.Asn276Tyr; replaces asparagine 276 with tyrosine.
Molecular consequence: missense variant.
Genome position (GRCh38, 1-based): chr6:52,066,030, T>A on the plus strand (A>T on the coding strand, the complement: PKHD1 is on the minus strand). VCF-style: chr6-52066030-T-A. GRCh37 (hg19) VCF-style: chr6-51930828-T-A.
Other names: c.826A>T, p.Asn276Tyr (NM_170724.3); c.826A>T (NM_138694.3); short protein forms N276Y.
Identifiers: ClinVar variation 596806 (VCV000596806.6), dbSNP rs550184077, ClinGen allele CA3853747.
Genomic context (GRCh38, chr6:52,066,030, plus strand): 5'-AGTTACCTGCAATGGTAACCTGGGCAGAATTGTCAAAAAAGTCTCCTGTAATTGTGATGT[T>A]TGTTCTTCCCCCAAGGCTCCCAGTTTCTGGAAACACAGATAATATTTCTGCAAGAGTTAA-3'
Protein context (NP_619639.3, residues 266-286): PETGSLGGRT[Asn276Tyr]ITITGDFFDN